The following is an entry in ClinVar:

NM_001379451.1(BCORL1):c.2974T>C (p.Ser992Pro)

Gene: BCORL1 (BCL6 corepressor like 1; plus strand). Cytogenetic location: Xq26.1.
Variant type: single nucleotide variant.
Coding change: c.2974T>C on transcript NM_001379451.1 (MANE Select); coding-DNA position 2974, T replaced by C.
Protein change: p.Ser992Pro; replaces serine 992 with proline.
Molecular consequence: missense variant.
Genome position (GRCh38, 1-based): chrX:130,015,746, T>C. VCF-style: chrX-130015746-T-C. GRCh37 (hg19) VCF-style: chrX-129149722-T-C.
Other names: c.2974T>C, p.Ser992Pro (NM_001184772.3, NM_001379450.1, NM_021946.5); short protein forms S992P.
Identifiers: ClinVar variation 2504339 (VCV002504339.1), dbSNP rs2522683288, ClinGen allele CA414594106.
Genomic context (GRCh38, chrX:130,015,746, plus strand): 5'-TGTGGCCTGAAGCTGGCAGGAGACACGAAGCCTAAGAACCAAGTGCTGGCCACCTACATG[T>C]CCCATGAGCTGGTCCTGGCCACCCCCCAGAACCTGCCTAAGATGCCTGAGCTGCCTTTGC-3'
Protein context (NP_001366380.1, residues 982-1002): PKNQVLATYM[Ser992Pro]HELVLATPQN

ClinVar aggregate classification (germline): Uncertain significance (1 of 4 stars; one submission).

Submission:

GeneDx
Classification: Uncertain significance. Last evaluated: 2022-12-02. Review status: criteria provided, single submitter. Criteria: GeneDx Variant Classification Process June 2021. Collection method: clinical testing. Allele origin: germline. Affected: yes.
Comment: Not observed at significant frequency in large population cohorts (gnomAD); In silico analysis supports that this missense variant does not alter protein structure/function; Has not been previously published as pathogenic or benign to our knowledge